The following is an entry in ClinVar:

NM_002878.4(RAD51D):c.788C>T (p.Ala263Val)

Genes: RAD51D (RAD51 paralog D; minus strand), RAD51L3-RFFL (RAD51L3-RFFL readthrough; minus strand). Cytogenetic location: 17q12.
Variant type: single nucleotide variant.
Coding change: c.788C>T on transcript NM_002878.4 (MANE Select); coding-DNA position 788, C replaced by T.
Protein change: p.Ala263Val; replaces alanine 263 with valine.
Molecular consequence: missense variant. On other transcripts: non-coding transcript variant (3).
Genome position (GRCh38, 1-based): chr17:35,101,316, G>A on the plus strand (C>T on the coding strand, the complement: RAD51D is on the minus strand). VCF-style: chr17-35101316-G-A. GRCh37 (hg19) VCF-style: chr17-33428335-G-A.
Other names: c.848C>T, p.Ala283Val (NM_001142571.2); c.452C>T, p.Ala151Val (NM_133629.3); short protein forms A263V, A151V, A283V.
Identifiers: ClinVar variation 662647 (VCV000662647.6), dbSNP rs1269011999, ClinGen allele CA399086830.

ClinVar aggregate classification (germline): Uncertain significance. Review status: criteria provided, multiple submitters, no conflicts (2 of 4 stars). 2 submissions from 2 submitters: Uncertain significance (2). Last evaluated 2025-09-08.

Conditions:
Hereditary cancer-predisposing syndrome. Also called: Neoplastic Syndromes, Hereditary; Tumor predisposition; Hereditary neoplastic syndrome; Hereditary Cancer Syndrome. Identifiers: Orphanet 140162, MedGen C0027672, MeSH D009386, MONDO:0015356.
Breast-ovarian cancer, familial, susceptibility to, 4. Identifiers: Orphanet 145, MedGen C3280345, MONDO:0013669, OMIM 614291.

Allele frequency attached by ClinVar (database versions not stated): TOPMed below 0.00001; gnomAD 0.00001.
gnomAD v4.1: 1 of 1,614,014 alleles (0.000062%); highest among the groups gnomAD compares: Non-Finnish European, 0.000085%; no homozygotes.

Submissions (2):

Labcorp Genetics (formerly Invitae), Labcorp
Classification: Uncertain significance for Breast-ovarian cancer, familial, susceptibility to, 4. Last evaluated: 2025-09-08. Review status: criteria provided, single submitter. Criteria: Invitae Variant Classification Sherloc (09022015). Collection method: clinical testing. Allele origin: germline.
Comment: This sequence change replaces alanine, which is neutral and non-polar, with valine, which is neutral and non-polar, at codon 263 of the RAD51D protein (p.Ala263Val). This variant is not present in population databases (gnomAD no frequency). This variant has not been reported in the literature in individuals affected with RAD51D-related conditions. ClinVar contains an entry for this variant (Variation ID: 662647). Invitae Evidence Modeling of protein sequence and biophysical properties (such as structural, functional, and spatial information, amino acid conservation, physicochemical variation, residue mobility, and thermodynamic stability) indicates that this missense variant is not expected to disrupt RAD51D protein function with a negative predictive value of 80%. In summary, the available evidence is currently insufficient to determine the role of this variant in disease. Therefore, it has been classified as a Variant of Uncertain Significance.

Ambry Genetics
Classification: Uncertain significance for Hereditary cancer-predisposing syndrome. Last evaluated: 2024-10-18. Review status: criteria provided, single submitter. Criteria: Ambry Variant Classification Scheme 2023. Collection method: clinical testing. Allele origin: germline.
Comment: The p.A263V variant (also known as c.788C>T), located in coding exon 9 of the RAD51D gene, results from a C to T substitution at nucleotide position 788. The alanine at codon 263 is replaced by valine, an amino acid with similar properties. This amino acid position is conserved. In addition, the in silico prediction for this alteration is inconclusive. Based on the available evidence, the clinical significance of this variant remains unclear.